The following is an entry in ClinVar:

ClinVar aggregate classification (germline): Uncertain significance. Review status: criteria provided, multiple submitters, no conflicts (2 of 4 stars). 3 submissions from 3 submitters: Uncertain significance (2). 1 of the submissions does not count toward it. Last evaluated 2022-07-18.

Conditions:
HYPERHOMOCYSTEINEMIA, THROMBOTIC, CBS-RELATED. Identifiers: MedGen C3150344, OMIM 236200.
Classic homocystinuria. Also called: Homocystinuria due to Cystathionine Beta-Synthase Deficiency; HOMOCYSTINURIA WITH OR WITHOUT RESPONSE TO PYRIDOXINE; Homocystinuria due to CBS deficiency; Cystathionine beta-synthase deficiency; CBS deficiency. Identifiers: Orphanet 394, MedGen C0751202, MONDO:0009352, OMIM 236200.

Allele frequency attached by ClinVar (database versions not stated): gnomAD exomes 0.00002; ExAC 0.00004.

Submissions (3):

Labcorp Genetics (formerly Invitae), Labcorp
Classification: Uncertain significance for HYPERHOMOCYSTEINEMIA, THROMBOTIC, CBS-RELATED. Last evaluated: 2022-07-18. Review status: criteria provided, single submitter. Criteria: Invitae Variant Classification Sherloc (09022015). Collection method: clinical testing. Allele origin: germline.
Comment: This sequence change replaces alanine, which is neutral and non-polar, with valine, which is neutral and non-polar, at codon 446 of the CBS protein (p.Ala446Val). The frequency data for this variant in the population databases is considered unreliable, as metrics indicate poor data quality at this position in the gnomAD database. This variant has not been reported in the literature in individuals affected with CBS-related conditions. ClinVar contains an entry for this variant (Variation ID: 568107). Algorithms developed to predict the effect of missense changes on protein structure and function output the following: SIFT: "Tolerated"; PolyPhen-2: "Benign"; Align-GVGD: "Class C0". The valine amino acid residue is found in multiple mammalian species, which suggests that this missense change does not adversely affect protein function. Algorithms developed to predict the effect of sequence changes on RNA splicing suggest that this variant may create or strengthen a splice site. In summary, the available evidence is currently insufficient to determine the role of this variant in disease. Therefore, it has been classified as a Variant of Uncertain Significance.

Blueprint Genetics
Classification: Uncertain significance. Last evaluated: 2021-09-24. Review status: criteria provided, single submitter. Criteria: ACMG Guidelines, 2015. Collection method: clinical testing. Allele origin: germline.

Natera, Inc.
Classification: Uncertain significance for Homocystinuria due to cystathionine beta-synthase deficiency. Last evaluated: 2019-10-28. Review status: no assertion criteria provided. Collection method: clinical testing. Allele origin: germline. Not counted in ClinVar's aggregate classification.

NM_000071.3(CBS):c.1337C>T (p.Ala446Val)

Gene: CBS (cystathionine beta-synthase; minus strand). Cytogenetic location: 21q22.3.
Variant type: single nucleotide variant.
Coding change: c.1337C>T on transcript NM_000071.3 (MANE Select); coding-DNA position 1337, C replaced by T.
Protein change: p.Ala446Val; replaces alanine 446 with valine.
Molecular consequence: missense variant.
Genome position (GRCh38, 1-based): chr21:43,058,855, G>A on the plus strand (C>T on the coding strand, the complement: CBS is on the minus strand). VCF-style: chr21-43058855-G-A. GRCh37 (hg19) VCF-style: chr21-44478965-G-A.
Other names: c.1337C>T, p.Ala446Val (NM_001178008.3, NM_001178009.3, NM_001320298.2); c.1022C>T, p.Ala341Val (NM_001321072.1); short protein forms A446V, A341V.
Identifiers: ClinVar variation 568107 (VCV000568107.11), dbSNP rs757347527, ClinGen allele CA321687985.